The following is an entry in ClinVar:

NM_002472.3(MYH8):c.2998_2999delinsGC (p.Lys1000Ala)

Genes: MYH8 (myosin heavy chain 8; minus strand), MYHAS (myosin heavy chain gene cluster antisense RNA; plus strand), LOC126862494 (BRD4-independent group 4 enhancer GRCh37_chr17:10303826-10305025; plus strand). Cytogenetic location: 17p13.1.
Variant type: Indel.
Coding change: c.2998_2999delinsGC on transcript NM_002472.3 (MANE Select); coding-DNA positions 2998 to 2999, AA replaced by GC.
Protein change: p.Lys1000Ala; replaces lysine 1000 with alanine.
Molecular consequence: missense variant.
Genome position (GRCh38, 1-based): chr17:10,401,384-10,401,385, TT replaced by GC on the plus strand (AA replaced by GC on the coding strand, the reverse complement: MYH8 is on the minus strand). VCF-style: chr17-10401384-TT-GC. GRCh37 (hg19) VCF-style: chr17-10304701-TT-GC.
Other names: short protein forms K1000A.
Identifiers: ClinVar variation 2630478 (VCV002630478.1), dbSNP rs2508044781, ClinGen allele CA2695201248.

ClinVar aggregate classification (germline): Uncertain significance (1 of 4 stars; one submission).

Conditions:
MYH8-related disorder. Also called: MYH8-related condition.

Submission:

PreventionGenetics, part of Exact Sciences
Classification: Uncertain significance for MYH8-related condition. Last evaluated: 2023-02-20. Review status: criteria provided, single submitter. Criteria: ACMG Guidelines, 2015. Collection method: clinical testing. Allele origin: germline.
Comment: The MYH8 c.2998_2999delinsGC variant is predicted to result in an in-frame deletion and insertion. To our knowledge, this variant has not been reported in the literature or in a large population database, indicating this variant is rare. This variant is interpreted as uncertain.